The following is an entry in ClinVar:

ClinVar aggregate classification (germline): Uncertain significance (1 of 4 stars; one submission).

Conditions:
Developmental delay, hypotonia, musculoskeletal defects, and behavioral abnormalities. Identifiers: MedGen C5562012, MONDO:0859202, OMIM 619595.

gnomAD v4.1: 2 of 1,614,130 alleles (0.00012%); highest among the groups gnomAD compares: Non-Finnish European, 0.00017%; no homozygotes.

Submission:

Department of Clinical Genetics, Aarhus University Hospital
Classification: Uncertain significance for Developmental delay, hypotonia, musculoskeletal defects, and behavioral abnormalities. Review status: criteria provided, single submitter. Criteria: ACMG Guidelines, 2015. Collection method: clinical testing. Allele origin: de novo. Affected: yes.
Comment: This variant is a missense variant. To our knowledge the variant has not been reported in the literature in individuals affected with SRCAP-related conditions. The variant is seen with a frequency of 1.381e-06 in the gnomAD 4.0 database. In silico prediction tools state that the variant is pathogenic (REVEL, AlphaMissense). According to the ACMG guidelines, this variant is interpreted as uncertain significance (PM2_supporting, PP2, PP3).

NM_006662.3(SRCAP):c.2209C>T (p.Arg737Cys)

Gene: SRCAP (Snf2 related CREBBP activator protein; plus strand). Cytogenetic location: 16p11.2.
Variant type: single nucleotide variant.
Coding change: c.2209C>T on transcript NM_006662.3 (MANE Select); coding-DNA position 2209, C replaced by T.
Protein change: p.Arg737Cys; replaces arginine 737 with cysteine.
Molecular consequence: missense variant.
Genome position (GRCh38, 1-based): chr16:30,713,286, C>T. VCF-style: chr16-30713286-C-T. GRCh37 (hg19) VCF-style: chr16-30724607-C-T.
Other names: short protein forms R737C.
Identifiers: ClinVar variation 4526434 (VCV004526434.1).